The following is an entry in ClinVar:

ClinVar aggregate classification (germline): Likely benign (1 of 4 stars; one submission).

gnomAD v4.1: 4 of 1,613,362 alleles (0.00025%); highest among the groups gnomAD compares: Non-Finnish European, 0.00034%; no homozygotes.

Submission:

CeGaT Center for Human Genetics Tuebingen
Classification: Likely benign. Last evaluated: 2024-10-01. Review status: criteria provided, single submitter. Criteria: CeGaT Center For Human Genetics Tuebingen Variant Classification Criteria Version 2. Collection method: clinical testing. Allele origin: germline. Affected: yes. Observed: 1 variant allele.
Comment: MTOR: BP4, BP7

NM_004958.4(MTOR):c.87A>C (p.Leu29=)

Gene: MTOR (mechanistic target of rapamycin kinase; minus strand). Cytogenetic location: 1p36.22.
Variant type: single nucleotide variant.
Coding change: c.87A>C on transcript NM_004958.4 (MANE Select); coding-DNA position 87, A replaced by C.
Protein change: p.Leu29=; no amino-acid change (leucine 29 retained).
Molecular consequence: synonymous variant. On other transcripts: 5 prime UTR variant (1).
Genome position (GRCh38, 1-based): chr1:11,259,323, T>G on the plus strand (A>C on the coding strand, the complement: MTOR is on the minus strand). VCF-style: chr1-11259323-T-G. GRCh37 (hg19) VCF-style: chr1-11319380-T-G.
Other names: c.87A>C, p.Leu29= (NM_001386500.1); c.-1053A>C (NM_001386501.1).
Identifiers: ClinVar variation 3388929 (VCV003388929.14).